The following is an entry in ClinVar:

ClinVar aggregate classification (germline): Uncertain significance (1 of 4 stars; one submission).

Conditions:
Neuropathy, hereditary sensory, type 2C. Also called: KIF1A-Related HSAN2 (HSAN2C); Hereditary sensory and autonomic neuropathy type IIC. Identifiers: Orphanet 970, MedGen C3280168, MONDO:0013634, OMIM 614213.
Hereditary spastic paraplegia 30. Identifiers: Orphanet 101010, MedGen C5235139, MONDO:0012476.
Intellectual disability, autosomal dominant 9 (NESCAVS). Also called: NESCAV SYNDROME; KIF1A-Related Neurodevelopmental Disorder. Identifiers: Orphanet 662367, MedGen C5393830, MONDO:0013656, OMIM 614255.

Submission:

Labcorp Genetics (formerly Invitae), Labcorp
Classification: Uncertain significance for Hereditary spastic paraplegia 30; Neuropathy, hereditary sensory, type 2C; Intellectual disability, autosomal dominant 9. Last evaluated: 2023-10-05. Review status: criteria provided, single submitter. Criteria: Invitae Variant Classification Sherloc (09022015). Collection method: clinical testing. Allele origin: germline.
Comment: This sequence change replaces serine, which is neutral and polar, with proline, which is neutral and non-polar, at codon 1681 of the KIF1A protein (p.Ser1681Pro). This variant is not present in population databases (gnomAD no frequency). This variant has not been reported in the literature in individuals affected with KIF1A-related conditions. Advanced modeling of protein sequence and biophysical properties (such as structural, functional, and spatial information, amino acid conservation, physicochemical variation, residue mobility, and thermodynamic stability) performed at Invitae indicates that this missense variant is not expected to disrupt KIF1A protein function. In summary, the available evidence is currently insufficient to determine the role of this variant in disease. Therefore, it has been classified as a Variant of Uncertain Significance.

NM_001244008.2(KIF1A):c.5344T>C (p.Ser1782Pro)

Gene: KIF1A (kinesin family member 1A; minus strand). Cytogenetic location: 2q37.3.
Variant type: single nucleotide variant.
Coding change: c.5344T>C on transcript NM_001244008.2 (MANE Select); coding-DNA position 5344, T replaced by C.
Protein change: p.Ser1782Pro; replaces serine 1782 with proline.
Molecular consequence: missense variant.
Genome position (GRCh38, 1-based): chr2:240,717,396, A>G on the plus strand (T>C on the coding strand, the complement: KIF1A is on the minus strand). VCF-style: chr2-240717396-A-G. GRCh37 (hg19) VCF-style: chr2-241656813-A-G.
Other names: c.5068T>C, p.Ser1690Pro (NM_001320705.2, NM_001379649.1); c.5095T>C, p.Ser1699Pro (NM_001330289.2); c.5143T>C, p.Ser1715Pro (NM_001330290.2, NM_001379648.1); c.5419T>C, p.Ser1807Pro (NM_001379631.1); c.5320T>C, p.Ser1774Pro (NM_001379632.1); c.5317T>C, p.Ser1773Pro (NM_001379633.1, NM_001379645.1); c.5170T>C, p.Ser1724Pro (NM_001379634.1); c.5167T>C, p.Ser1723Pro (NM_001379635.1, NM_001379646.1); and 8 more; short protein forms S1699P, S1719P, S1774P, S1690P, S1715P, S1773P, S1669P, S1680P.
Identifiers: ClinVar variation 2952528 (VCV002952528.3), dbSNP rs2536550929, ClinGen allele CA351297271.